The following is an entry in ClinVar:

NM_001182.5(ALDH7A1):c.1317+20G>C

Gene: ALDH7A1 (aldehyde dehydrogenase 7 family member A1; minus strand). Cytogenetic location: 5q23.2.
Variant type: single nucleotide variant.
Coding change: c.1317+20G>C on transcript NM_001182.5 (MANE Select); 20 bases into the intron after coding-DNA position 1317, G replaced by C.
Molecular consequence: intron variant.
Genome position (GRCh38, 1-based): chr5:126,552,001, C>G on the plus strand (G>C on the coding strand, the complement: ALDH7A1 is on the minus strand). VCF-style: chr5-126552001-C-G. GRCh37 (hg19) VCF-style: chr5-125887693-C-G.
Other names: c.1125+20G>C (NM_001202404.2); c.1233+20G>C (NM_001201377.2).
Identifiers: ClinVar variation 379818 (VCV000379818.10), dbSNP rs17597559, ClinGen allele CA3389458.
Genomic context (GRCh38, chr5:126,552,001, plus strand): 5'-TCCAGTGAAATTTAATCCACCATCATTTTCCTCTTATCATTTATTTCAACATCAGGCTAG[C>G]GAACAGAATGCATTTTTACCTTGAATTTAAAGACATAGAGAATCGGAGCAAAAGTCTCTG-3'

ClinVar aggregate classification (germline): Likely benign. Review status: criteria provided, multiple submitters, no conflicts (2 of 4 stars). 4 submissions from 4 submitters: Likely benign (4). Last evaluated 2025-12-15.

Conditions:
Pyridoxine-dependent epilepsy (EPEO4). Also called: Pyridoxine-Dependent Seizures; Pyridoxine-Dependent Epilepsy - ALDH7A1; PYRIDOXINE DEPENDENCY WITH SEIZURES; EPILEPSY, EARLY-ONSET, 4, VITAMIN B6-DEPENDENT. Identifiers: Orphanet 3006, MedGen C1849508, MONDO:0009945, OMIM 266100. Disease mechanism: loss of function.

Allele frequency attached by ClinVar (database versions not stated): TOPMed 0.00006; ESP Exome Variant Server 0.00023.
gnomAD v4.1: 195 of 1,549,630 alleles (0.013%); highest among the groups gnomAD compares: Non-Finnish European, 0.016%; no homozygotes.

Submissions (4):

Labcorp Genetics (formerly Invitae), Labcorp
Classification: Likely benign for Pyridoxine-dependent epilepsy. Last evaluated: 2025-12-15. Review status: criteria provided, single submitter. Criteria: Invitae Variant Classification Sherloc (09022015). Collection method: clinical testing. Allele origin: germline.

Blueprint Genetics
Classification: Likely benign. Last evaluated: 2023-05-19. Review status: criteria provided, single submitter. Criteria: ACMG Guidelines, 2015. Collection method: clinical testing. Allele origin: germline.

Genome-Nilou Lab
Classification: Likely benign for Pyridoxine-dependent epilepsy. Last evaluated: 2023-04-11. Review status: criteria provided, single submitter. Criteria: ACMG Guidelines, 2015. Collection method: clinical testing. Allele origin: germline. Affected: no.

GeneDx
Classification: Likely benign. Last evaluated: 2015-05-26. Review status: criteria provided, single submitter. Criteria: GeneDx Variant Classification (06012015). Collection method: clinical testing. Allele origin: germline. Affected: yes.
Comment: This variant is considered likely benign or benign based on one or more of the following criteria: it is a conservative change, it occurs at a poorly conserved position in the protein, it is predicted to be benign by multiple in silico algorithms, and/or has population frequency not consistent with disease.